The following is an entry in ClinVar:

NM_000717.5(CA4):c.88G>A (p.Glu30Lys)

Gene: CA4 (carbonic anhydrase 4; plus strand). Cytogenetic location: 17q23.1.
Variant type: single nucleotide variant.
Coding change: c.88G>A on transcript NM_000717.5 (MANE Select); coding-DNA position 88, G replaced by A.
Protein change: p.Glu30Lys; replaces glutamic acid 30 with lysine.
Molecular consequence: missense variant. On other transcripts: non-coding transcript variant (1).
Genome position (GRCh38, 1-based): chr17:60,155,343, G>A. VCF-style: chr17-60155343-G-A. GRCh37 (hg19) VCF-style: chr17-58232704-G-A.
Other names: short protein forms E30K.
Identifiers: ClinVar variation 3610262 (VCV003610262.2).

ClinVar aggregate classification (germline): Uncertain significance (1 of 4 stars; one submission).

gnomAD v4.1: 19 of 1,611,080 alleles (0.0012%); highest among the groups gnomAD compares: African/African-American, 0.004%; no homozygotes.

Submission:

Labcorp Genetics (formerly Invitae), Labcorp
Classification: Uncertain significance. Last evaluated: 2024-11-29. Review status: criteria provided, single submitter. Criteria: Invitae Variant Classification Sherloc (09022015). Collection method: clinical testing. Allele origin: germline.
Comment: This sequence change replaces glutamic acid, which is acidic and polar, with lysine, which is basic and polar, at codon 30 of the CA4 protein (p.Glu30Lys). The frequency data for this variant in the population databases is considered unreliable, as metrics indicate poor data quality at this position in the gnomAD database. This variant has not been reported in the literature in individuals affected with CA4-related conditions. Invitae Evidence Modeling of protein sequence and biophysical properties (such as structural, functional, and spatial information, amino acid conservation, physicochemical variation, residue mobility, and thermodynamic stability) indicates that this missense variant is not expected to disrupt CA4 protein function with a negative predictive value of 80%. In summary, the available evidence is currently insufficient to determine the role of this variant in disease. Therefore, it has been classified as a Variant of Uncertain Significance.